The following is an entry in ClinVar:

ClinVar aggregate classification (germline): Likely benign. Review status: criteria provided, multiple submitters, no conflicts (2 of 4 stars). 3 submissions from 3 submitters: Likely benign (2). 1 of the submissions does not count toward it. Last evaluated 2024-09-04.

Conditions:
PDZD7-related disorder. Also called: PDZD7-related condition; PDZD7-related disorders.

Allele frequency attached by ClinVar (database versions not stated): ExAC 0.00003; gnomAD exomes 0.00003; TOPMed 0.00004; gnomAD 0.00006 and 0.00007.

Submissions (3):

Blueprint Genetics
Classification: Likely benign. Last evaluated: 2024-09-04. Review status: criteria provided, single submitter. Criteria: ACMG Guidelines, 2015. Collection method: clinical testing. Allele origin: germline.

Labcorp Genetics (formerly Invitae), Labcorp
Classification: Likely benign. Last evaluated: 2024-05-16. Review status: criteria provided, single submitter. Criteria: Invitae Variant Classification Sherloc (09022015). Collection method: clinical testing. Allele origin: germline.

PreventionGenetics, part of Exact Sciences
Classification: Likely benign for PDZD7-related condition. Last evaluated: 2019-03-21. Review status: no assertion criteria provided. Collection method: clinical testing. Allele origin: germline. Not counted in ClinVar's aggregate classification.
Comment: This variant is classified as likely benign based on ACMG/AMP sequence variant interpretation guidelines (Richards et al. 2015 PMID: 25741868, with internal and published modifications).

NM_001195263.2(PDZD7):c.1399C>T (p.Leu467=)

Gene: PDZD7 (PDZ domain containing 7; minus strand). Cytogenetic location: 10q24.31.
Variant type: single nucleotide variant.
Coding change: c.1399C>T on transcript NM_001195263.2 (MANE Select); coding-DNA position 1399, C replaced by T.
Protein change: p.Leu467=; no amino-acid change (leucine 467 retained).
Molecular consequence: synonymous variant. On other transcripts: missense variant (1).
Genome position (GRCh38, 1-based): chr10:101,018,222, G>A on the plus strand (C>T on the coding strand, the complement: PDZD7 is on the minus strand). VCF-style: chr10-101018222-G-A. GRCh37 (hg19) VCF-style: chr10-102777979-G-A.
Other names: c.1427C>T (NM_001351044.1); c.1427C>T, p.Ala476Val (NM_001351044.2); c.1399C>T, p.Leu467= (NM_024895.5); short protein forms A476V.
Identifiers: ClinVar variation 1114302 (VCV001114302.13), dbSNP rs771643153, ClinGen allele CA5654094.